The following is an entry in ClinVar:

NM_203486.3(DLL3):c.1029C>T (p.Pro343=)

Gene: DLL3 (delta like canonical Notch ligand 3; plus strand). Cytogenetic location: 19q13.2.
Variant type: single nucleotide variant.
Coding change: c.1029C>T on transcript NM_203486.3 (MANE Select); coding-DNA position 1029, C replaced by T.
Protein change: p.Pro343=; no amino-acid change (proline 343 retained).
Molecular consequence: synonymous variant.
Genome position (GRCh38, 1-based): chr19:39,505,387, C>T. VCF-style: chr19-39505387-C-T. GRCh37 (hg19) VCF-style: chr19-39996027-C-T.
Other names: c.1029C>T, p.Pro343= (NM_016941.4).
Identifiers: ClinVar variation 260772 (VCV000260772.19), dbSNP rs2304214, ClinGen allele CA9432333.

ClinVar aggregate classification (germline): Benign. Review status: criteria provided, multiple submitters, no conflicts (2 of 4 stars). 8 submissions from 7 submitters: Benign (8). Last evaluated 2026-02-04.

Conditions:
Syndactyly. Also called: Webbed fingers or toes. Identifiers: MedGen C0039075, MONDO:0021002, HP:0001159.
Spondylocostal dysostosis 1, autosomal recessive (SCDO1). Also called: DLL3-Related Spondylocostal Dysostosis, Autosomal Recessive. Identifiers: Orphanet 2311, MedGen CN032975, MONDO:0020692, OMIM 277300.

Allele frequency attached by ClinVar (database versions not stated): 1000 Genomes Project 30x 0.23969; 1000 Genomes Project 0.24201; TOPMed 0.26693; gnomAD 0.27957; ESP Exome Variant Server 0.28202; gnomAD exomes 0.30590.
gnomAD v4.1: 515,549 of 1,613,884 alleles (32%); highest among the groups gnomAD compares: Middle Eastern, 38%; 84,794 homozygotes.

Submissions (8):

Labcorp Genetics (formerly Invitae), Labcorp
Classification: Benign. Last evaluated: 2026-02-04. Review status: criteria provided, single submitter. Criteria: Invitae Variant Classification Sherloc (09022015). Collection method: clinical testing. Allele origin: germline.

Blueprint Genetics
Classification: Benign. Last evaluated: 2024-11-28. Review status: criteria provided, single submitter. Criteria: ACMG Guidelines, 2015. Collection method: clinical testing. Allele origin: germline.

Genome-Nilou Lab
Classification: Benign for Spondylocostal dysostosis 1, autosomal recessive. Last evaluated: 2021-07-30. Review status: criteria provided, single submitter. Criteria: ACMG Guidelines, 2015. Collection method: clinical testing. Allele origin: germline. Affected: no.

Illumina Laboratory Services, Illumina
Classification: Benign for Non-syndromic syndactyly. Last evaluated: 2018-01-13. Review status: criteria provided, single submitter. Criteria: ICSL Variant Classification Criteria 13 December 2019. Collection method: clinical testing. Allele origin: germline.
Comment: This variant was observed in the ICSL laboratory as part of a predisposition screen in an ostensibly healthy population. It had not been previously curated by ICSL or reported in the Human Gene Mutation Database (HGMD: prior to June 1st, 2018), and was therefore a candidate for classification through an automated scoring system. Utilizing variant allele frequency, disease prevalence and penetrance estimates, and inheritance mode, an automated score was calculated to assess if this variant is too frequent to cause the disease. Based on the score and internal cut-off values, a variant classified as benign is not then subjected to further curation. The score for this variant resulted in a classification of benign for this disease.

Illumina Laboratory Services, Illumina
Classification: Benign for Spondylocostal dysostosis 1, autosomal recessive. Last evaluated: 2018-01-13. Review status: criteria provided, single submitter. Criteria: ICSL Variant Classification Criteria 13 December 2019. Collection method: clinical testing. Allele origin: germline.
Comment: the same text as in the submission from Illumina Laboratory Services, Illumina above.

GeneDx
Classification: Benign. Last evaluated: 2016-03-21. Review status: criteria provided, single submitter. Criteria: GeneDx Variant Classification (06012015). Collection method: clinical testing. Allele origin: germline. Affected: yes.
Comment: This variant is considered likely benign or benign based on one or more of the following criteria: it is a conservative change, it occurs at a poorly conserved position in the protein, it is predicted to be benign by multiple in silico algorithms, and/or has population frequency not consistent with disease.

Breakthrough Genomics
Classification: Benign. Review status: criteria provided, single submitter. Criteria: ACMG Guidelines, 2015. Collection method: not provided. Allele origin: germline. Inheritance: Autosomal recessive inheritance. Affected: yes.

PreventionGenetics, part of Exact Sciences
Classification: Benign. Review status: criteria provided, single submitter. Criteria: ACMG Guidelines, 2015. Collection method: clinical testing. Allele origin: germline.